The following is an entry in ClinVar:

ClinVar aggregate classification (germline): Uncertain significance (1 of 4 stars; one submission).

Allele frequency attached by ClinVar (database versions not stated): gnomAD exomes below 0.00001; TOPMed below 0.00001; gnomAD 0.00001.

Submission:

Labcorp Genetics (formerly Invitae), Labcorp
Classification: Uncertain significance. Last evaluated: 2022-11-06. Review status: criteria provided, single submitter. Criteria: Invitae Variant Classification Sherloc (09022015). Collection method: clinical testing. Allele origin: germline.
Comment: Algorithms developed to predict the effect of missense changes on protein structure and function output the following: SIFT: "Not Available"; PolyPhen-2: "Benign"; Align-GVGD: "Not Available". The valine amino acid residue is found in multiple mammalian species, which suggests that this missense change does not adversely affect protein function. In summary, the available evidence is currently insufficient to determine the role of this variant in disease. Therefore, it has been classified as a Variant of Uncertain Significance. This variant has not been reported in the literature in individuals affected with KCNK4-related conditions. This variant is not present in population databases (gnomAD no frequency). This sequence change replaces methionine, which is neutral and non-polar, with valine, which is neutral and non-polar, at codon 194 of the KCNK4 protein (p.Met194Val).

NM_033310.3(KCNK4):c.580A>G (p.Met194Val)

Genes: KCNK4 (potassium two pore domain channel subfamily K member 4; plus strand), KCNK4-CATSPERZ (KCNK4-CATSPERZ readthrough (NMD candidate); plus strand). Cytogenetic location: 11q13.1.
Variant type: single nucleotide variant.
Coding change: c.580A>G on transcript NM_033310.3 (MANE Select); coding-DNA position 580, A replaced by G.
Protein change: p.Met194Val; replaces methionine 194 with valine.
Molecular consequence: missense variant. On other transcripts: non-coding transcript variant (1).
Genome position (GRCh38, 1-based): chr11:64,297,572, A>G. VCF-style: chr11-64297572-A-G. GRCh37 (hg19) VCF-style: chr11-64065044-A-G.
Other names: c.580A>G, p.Met194Val (NM_001317090.2, NM_033311.1); short protein forms M194V.
Identifiers: ClinVar variation 2834347 (VCV002834347.3), dbSNP rs1279025975, ClinGen allele CA381166155.
Genomic context (GRCh38, chr11:64,297,572, plus strand): 5'-CTTTTCCTGCTGATCGGCTGCCTGCTCTTTGTCCTCACGCCCACGTTCGTGTTCTGCTAT[A>G]TGGAGGACTGGAGCAAGCTGGAGGCCATCTACTTTGTCATAGTGACGCTTACCACCGTGG-3'
Protein context (NP_201567.1, residues 184-204): VLTPTFVFCY[Met194Val]EDWSKLEAIY